The following is an entry in ClinVar:

NM_001358530.2(MOCS1):c.*1405G>C

Gene: MOCS1 (molybdenum cofactor synthesis 1; minus strand). Cytogenetic location: 6p21.2.
Variant type: single nucleotide variant.
Coding change: c.*1405G>C on transcript NM_001358530.2 (MANE Select); 1405 bases downstream of the stop codon, G replaced by C.
Molecular consequence: 3 prime UTR variant. On other transcripts: non-coding transcript variant (1).
Genome position (GRCh38, 1-based): chr6:39,904,952, C>G on the plus strand (G>C on the coding strand, the complement: MOCS1 is on the minus strand). VCF-style: chr6-39904952-C-G. GRCh37 (hg19) VCF-style: chr6-39872728-C-G.
Other names: NC_000006.11:g.39872728C>G; c.*2173G>C (NM_001075098.4, NM_001358533.2, NM_001358534.2 and 1 more transcripts); c.*1405G>C (NM_001358529.2, NM_001358531.2).
Identifiers: ClinVar variation 356604 (VCV000356604.6), dbSNP rs3749998, ClinGen allele CA3795645.

ClinVar aggregate classification (germline): Benign (1 of 4 stars; one submission).

Conditions:
Sulfite oxidase deficiency due to molybdenum cofactor deficiency type A. Also called: Molybdenum cofactor deficiency, complementation group A; Molybdenum Cofactor Deficiency A. Identifiers: Orphanet 308386, Orphanet 833, MedGen C1854988, MONDO:0009643, OMIM 252150.

Allele frequency attached by ClinVar (database versions not stated): gnomAD 0.00676 and 0.01057; gnomAD exomes 0.01303 and 0.02523; TOPMed 0.01185; ExAC 0.01792; 1000 Genomes Project 30x 0.05684; 1000 Genomes Project 0.06110.
gnomAD v4.1: 5,528 of 454,070 alleles (1.2%); highest among the groups gnomAD compares: East Asian, 25%; 500 homozygotes.

Submissions (2):

Illumina Laboratory Services, Illumina
Classification: Benign for Sulfite oxidase deficiency due to molybdenum cofactor deficiency type A. Last evaluated: 2018-01-13. Review status: criteria provided, single submitter. Criteria: ICSL Variant Classification Criteria 13 December 2019. Collection method: clinical testing. Allele origin: germline.
Comment: This variant was observed in the ICSL laboratory as part of a predisposition screen in an ostensibly healthy population. It had not been previously curated by ICSL or reported in the Human Gene Mutation Database (HGMD: prior to June 1st, 2018), and was therefore a candidate for classification through an automated scoring system. Utilizing variant allele frequency, disease prevalence and penetrance estimates, and inheritance mode, an automated score was calculated to assess if this variant is too frequent to cause the disease. Based on the score and internal cut-off values, a variant classified as benign is not then subjected to further curation. The score for this variant resulted in a classification of benign for this disease.

Dr. Peter K. Rogan Lab, Western University
No classification provided (evidence only). Condition: Ovarian serous cystadenocarcinoma. Review status: no classification provided. Collection method: in vitro. Allele origin: not applicable. Functional consequence: retained intron. Not counted in ClinVar's aggregate classification.